The following is an entry in ClinVar:

ClinVar aggregate classification (germline): Conflicting classifications of pathogenicity. Review status: criteria provided, conflicting classifications (1 of 4 stars). 2 submissions from 2 submitters: Uncertain significance (1); Likely benign (1). Last evaluated 2024-11-08.

Conditions:
POLD1-related polyposis and colorectal cancer syndrome (CRCS10). Also called: Colorectal cancer 10; COLORECTAL CANCER, SUSCEPTIBILITY TO, ON CHROMOSOME 19q; Colorectal cancer, susceptibility to, 10. Identifiers: Orphanet 220460, MedGen C2675481, MONDO:0012953, OMIM 612591.
Hereditary cancer-predisposing syndrome. Also called: Tumor predisposition; Neoplastic Syndromes, Hereditary; Hereditary Cancer Syndrome; Hereditary neoplastic syndrome. Identifiers: Orphanet 140162, MedGen C0027672, MeSH D009386, MONDO:0015356.

Submissions (2):

Ambry Genetics
Classification: Likely benign for Hereditary cancer-predisposing syndrome. Last evaluated: 2024-11-08. Review status: criteria provided, single submitter. Criteria: Ambry Variant Classification Scheme 2023. Collection method: clinical testing. Allele origin: germline.

Labcorp Genetics (formerly Invitae), Labcorp
Classification: Uncertain significance for POLD1-related polyposis and colorectal cancer syndrome. Last evaluated: 2018-03-25. Review status: criteria provided, single submitter. Criteria: Invitae Variant Classification Sherloc (09022015). Collection method: clinical testing. Allele origin: germline.
Comment: This sequence change replaces lysine with asparagine at codon 897 of the POLD1 protein (p.Lys897Asn). The lysine residue is moderately conserved and there is a moderate physicochemical difference between lysine and asparagine. This variant is not present in population databases (ExAC no frequency). This variant has not been reported in the literature in individuals with POLD1-related disease. Algorithms developed to predict the effect of missense changes on protein structure and function do not agree on the potential impact of this missense change (SIFT: "Tolerated"; PolyPhen-2: "Probably Damaging"; Align-GVGD: "Class C0"). In summary, the available evidence is currently insufficient to determine the role of this variant in disease. Therefore, it has been classified as a Variant of Uncertain Significance.

NM_002691.4(POLD1):c.2691G>C (p.Lys897Asn)

Gene: POLD1 (DNA polymerase delta 1, catalytic subunit; plus strand). Cytogenetic location: 19q13.33.
Variant type: single nucleotide variant.
Coding change: c.2691G>C on transcript NM_002691.4 (MANE Select); coding-DNA position 2691, G replaced by C.
Protein change: p.Lys897Asn; replaces lysine 897 with asparagine.
Molecular consequence: missense variant. On other transcripts: non-coding transcript variant (1).
Genome position (GRCh38, 1-based): chr19:50,415,564, G>C. VCF-style: chr19-50415564-G-C. GRCh37 (hg19) VCF-style: chr19-50918821-G-C.
Other names: c.2691G>C, p.Lys897Asn (NM_001256849.1); c.2769G>C, p.Lys923Asn (NM_001308632.1); c.2691G>C (NM_002691.2); short protein forms K923N, K897N.
Identifiers: ClinVar variation 568431 (VCV000568431.9), dbSNP rs1057522764, ClinGen allele CA406985650.
Genomic context (GRCh38, chr19:50,415,564, plus strand): 5'-TATCTCCCAGCTGGTCATCACCAAGGAGCTGACCCGCGCGGCCTCCGACTATGCCGGCAA[G>C]CAGGCCCACGTGGAGCTGGCCGAGAGGTCCTGCGCGGGGCGGGTGGCCTGGCCAGAAATA-3'
Protein context (NP_002682.2, residues 887-907): LTRAASDYAG[Lys897Asn]QAHVELAERM